The following is an entry in ClinVar:

NM_001330360.2(POLA1):c.3999C>A (p.Ser1333Arg)

Gene: POLA1 (DNA polymerase alpha 1, catalytic subunit; plus strand). Cytogenetic location: Xp22.11.
Variant type: single nucleotide variant.
Coding change: c.3999C>A on transcript NM_001330360.2 (MANE Select); coding-DNA position 3999, C replaced by A.
Protein change: p.Ser1333Arg; replaces serine 1333 with arginine.
Molecular consequence: missense variant. On other transcripts: non-coding transcript variant (2).
Genome position (GRCh38, 1-based): chrX:24,843,629, C>A. VCF-style: chrX-24843629-C-A. GRCh37 (hg19) VCF-style: chrX-24861746-C-A.
Other names: c.3924C>A, p.Ser1308Arg (NM_001378303.1); c.3981C>A, p.Ser1327Arg (NM_016937.4); c.3981C>A (NM_016937.3); short protein forms S1327R, S1308R, S1333R.
Identifiers: ClinVar variation 1390299 (VCV001390299.7), dbSNP rs200968329, ClinGen allele CA10373655.

ClinVar aggregate classification (germline): Conflicting classifications of pathogenicity. Review status: criteria provided, conflicting classifications (1 of 4 stars). 2 submissions from 2 submitters: Uncertain significance (1); Likely benign (1). Last evaluated 2025-11-13.

Conditions:
Inborn genetic diseases. Identifiers: MedGen C0950123, MeSH D030342.

Allele frequency attached by ClinVar (database versions not stated): gnomAD 0.00001 and 0.00002; gnomAD exomes 0.00002; TOPMed 0.00003; ExAC 0.00004; 1000 Genomes Project 30x 0.00021; 1000 Genomes Project 0.00026.
gnomAD v4.1: 24 of 1,181,361 alleles (0.002%); highest among the groups gnomAD compares: Middle Eastern, 0.023%; no homozygotes.

Submissions (2):

Labcorp Genetics (formerly Invitae), Labcorp
Classification: Uncertain significance. Last evaluated: 2025-11-13. Review status: criteria provided, single submitter. Criteria: Invitae Variant Classification Sherloc (09022015). Collection method: clinical testing. Allele origin: germline.
Comment: This sequence change replaces serine, which is neutral and polar, with arginine, which is basic and polar, at codon 1327 of the POLA1 protein (p.Ser1327Arg). The frequency data for this variant in the population databases is considered unreliable, as metrics indicate poor data quality at this position in the gnomAD database. This variant has not been reported in the literature in individuals affected with POLA1-related conditions. ClinVar contains an entry for this variant (Variation ID: 1390299). Invitae Evidence Modeling of protein sequence and biophysical properties (such as structural, functional, and spatial information, amino acid conservation, physicochemical variation, residue mobility, and thermodynamic stability) indicates that this missense variant is not expected to disrupt POLA1 protein function with a negative predictive value of 80%. In summary, the available evidence is currently insufficient to determine the role of this variant in disease. Therefore, it has been classified as a Variant of Uncertain Significance.

Ambry Genetics
Classification: Likely benign for Inborn genetic diseases. Last evaluated: 2024-02-14. Review status: criteria provided, single submitter. Criteria: Ambry Variant Classification Scheme 2023. Collection method: clinical testing. Allele origin: germline.